The following is an entry in ClinVar:

NM_001009944.3(PKD1):c.12099G>A (p.Leu4033=)

Gene: PKD1 (polycystin 1, transient receptor potential channel interacting; minus strand). Cytogenetic location: 16p13.3.
Variant type: single nucleotide variant.
Coding change: c.12099G>A on transcript NM_001009944.3 (MANE Select); coding-DNA position 12099, G replaced by A.
Protein change: p.Leu4033=; no amino-acid change (leucine 4033 retained).
Molecular consequence: synonymous variant.
Genome position (GRCh38, 1-based): chr16:2,090,713, C>T on the plus strand (G>A on the coding strand, the complement: PKD1 is on the minus strand). VCF-style: chr16-2090713-C-T. GRCh37 (hg19) VCF-style: chr16-2140714-C-T.
Other names: c.12096G>A, p.Leu4032= (NM_000296.4).
Identifiers: ClinVar variation 3055125 (VCV003055125.2), dbSNP rs761446686, ClinGen allele CA493044485.

ClinVar aggregate classification (germline): Likely benign (0 of 4 stars; one submission).

Conditions:
PKD1-related disorder. Also called: PKD1-related condition.

Allele frequency attached by ClinVar (database versions not stated): TOPMed below 0.00001.
gnomAD v4.1: 11 of 1,612,450 alleles (0.00068%); highest among the groups gnomAD compares: Middle Eastern, 0.033%; no homozygotes.

Submission:

PreventionGenetics, part of Exact Sciences
Classification: Likely benign for PKD1-related condition. Last evaluated: 2020-05-15. Review status: no assertion criteria provided. Collection method: clinical testing. Allele origin: germline.
Comment: This variant is classified as likely benign based on ACMG/AMP sequence variant interpretation guidelines (Richards et al. 2015 PMID: 25741868, with internal and published modifications).